The following is an entry in ClinVar:

ClinVar aggregate classification (germline): Likely benign. Review status: criteria provided, multiple submitters, no conflicts (2 of 4 stars). 3 submissions from 3 submitters: Likely benign (3). Last evaluated 2024-04-15.

Conditions:
RYR1-related disorder. Also called: RYR1-related disorders; RYR1-related condition. Identifiers: MedGen CN239331.
Malignant hyperthermia, susceptibility to, 1 (MHS1). Also called: RYR1-Related Malignant Hyperthermia Susceptibility; Anesthesia related hyperthermia; Malignant hyperpyrexia; Fulminating hyperpyrexia; Pharmacogenic myopathy; Malignant hyperthermia suceptibility 1. Identifiers: Orphanet 423, MedGen C2930980, MONDO:0007783, OMIM 145600.

Allele frequency attached by ClinVar (database versions not stated): gnomAD exomes below 0.00001 and 0.00001.
gnomAD v4.1: 11 of 1,613,874 alleles (0.00068%); highest among the groups gnomAD compares: Non-Finnish European, 0.00085%; no homozygotes.

Submissions (3):

Labcorp Genetics (formerly Invitae), Labcorp
Classification: Likely benign for RYR1-related disorder. Last evaluated: 2024-04-15. Review status: criteria provided, single submitter. Criteria: Invitae Variant Classification Sherloc (09022015). Collection method: clinical testing. Allele origin: germline.

All of Us Research Program, National Institutes of Health
Classification: Likely benign for Malignant hyperthermia, susceptibility to, 1. Last evaluated: 2023-10-06. Review status: criteria provided, single submitter. Criteria: ACMG Guidelines, 2015. Collection method: clinical testing. Allele origin: germline. Inheritance: Autosomal dominant inheritance. Observed: 2 variant alleles, 2 heterozygotes.
Comment: This study involves interpretation of variants in research participants for the purpose of population health screening. Participant phenotype was not available at the time of variant classification. Additional details can be found in publication PMID: 35346344, PMCID: PMC8962531

Color Diagnostics, LLC DBA Color Health
Classification: Likely benign for Malignant hyperthermia, susceptibility to, 1. Last evaluated: 2022-12-07. Review status: criteria provided, single submitter. Criteria: ACMG Guidelines, 2015. Collection method: clinical testing. Allele origin: germline.

NM_000540.3(RYR1):c.1344C>T (p.Ile448=)

Gene: RYR1 (ryanodine receptor 1; plus strand). Cytogenetic location: 19q13.2.
Variant type: single nucleotide variant.
Coding change: c.1344C>T on transcript NM_000540.3 (MANE Select); coding-DNA position 1344, C replaced by T.
Protein change: p.Ile448=; no amino-acid change (isoleucine 448 retained).
Molecular consequence: synonymous variant.
Genome position (GRCh38, 1-based): chr19:38,452,918, C>T. VCF-style: chr19-38452918-C-T. GRCh37 (hg19) VCF-style: chr19-38943558-C-T.
Other names: c.1344C>T, p.Ile448= (NM_001042723.2).
Identifiers: ClinVar variation 695751 (VCV000695751.12), dbSNP rs1288829088, ClinGen allele CA507242640.
Genomic context (GRCh38, chr19:38,452,918, plus strand): 5'-GCCACCCGCTGGCACGGCGCTGCCCATCGAGGGCGTTATCCTGAGCCTGCAGGACCTCAT[C>T]ATCTACTTCGAGCCTCCCTCCGAGGACTTGCAGCACGAGGAGAAGCAGAGCAAGCTGCGA-3'
Protein context (NP_000531.2, residues 438-458): EGVILSLQDL[Ile448=]IYFEPPSEDL